The following is an entry in ClinVar:

NM_004656.4(BAP1):c.872_1046del175insGG (p.Lys291fs)

Gene: BAP1 (BRCA1 associated deubiquitinase 1; minus strand). Cytogenetic location: 3p21.1.
Variant type: Indel.
Coding change: c.872_1046del175insGG on transcript NM_004656.4 (MANE Select); coding-DNA positions 872 to 1046, 175 bases deleted.
Protein change: p.Lys291fs; shifts the reading frame from lysine 291.
Molecular consequence: frameshift variant, splice acceptor variant, splice donor variant.
Genome position: GRCh38: chr3:52,405,180-52,405,824. GRCh37 (hg19): chr3:52,439,196-52,439,840.
Other names: c.818_992del175insGG, p.Lys273fs (NM_001410772.1); short protein forms K291fs, K273fs.
Identifiers: ClinVar variation 4728534 (VCV004728534.1).

ClinVar aggregate classification (germline): Pathogenic (1 of 4 stars; one submission).

Conditions:
BAP1-related tumor predisposition syndrome (TPDS1). Also called: BAP1 tumor predisposition syndrome; COMMON Syndrome; Tumor susceptibility linked to germline BAP1 mutations; TUMOR PREDISPOSITION SYNDROME 1. Identifiers: Orphanet 289539, MedGen C3280492, MONDO:0013692, OMIM 614327.

Submission:

Labcorp Genetics (formerly Invitae), Labcorp
Classification: Pathogenic for BAP1-related tumor predisposition syndrome. Last evaluated: 2025-10-23. Review status: criteria provided, single submitter. Criteria: Invitae Variant Classification Sherloc (09022015). Collection method: clinical testing. Allele origin: germline.
Comment: This variant results in the deletion of part of exons 10-11 (c.872_1046delinsGG) of the BAP1 gene. This deletion is out-of-frame, and is expected to create a premature termination codon and result in an absent or disrupted protein product. Loss-of-function variants in BAP1 are known to be pathogenic (PMID: 21874000, 23684012). This variant is not present in population databases (gnomAD no frequency). This variant has not been reported in the literature in individuals affected with BAP1-related conditions. For these reasons, this variant has been classified as Pathogenic.

Literature cited by the submitters: PubMed 21874000; PubMed 23684012.